The following is an entry in ClinVar:

ClinVar aggregate classification (germline): Pathogenic. Review status: criteria provided, multiple submitters, no conflicts (2 of 4 stars). 2 submissions from 2 submitters: Pathogenic (2). Last evaluated 2025-08-30.

Conditions:
Familial hypokalemia-hypomagnesemia (GTLMNS). Also called: gitelman syndrome; HYPOMAGNESEMIA-HYPOKALEMIA, PRIMARY RENOTUBULAR, WITH HYPOCALCIURIA; POTASSIUM AND MAGNESIUM DEPLETION. Identifiers: Orphanet 358, MedGen C0268450, MONDO:0009904, OMIM 263800.

Submissions (2):

Natera, Inc.
Classification: Pathogenic for Gitelman syndrome. Last evaluated: 2025-08-30. Review status: criteria provided, single submitter. Criteria: Natera Variant Classification Schema (03/2026). Collection method: clinical testing. Allele origin: germline.
Comment: The c.2748-2A>T variant in SLC12A3 is a canonical splice acceptor site variant predicted to affect pre-mRNA splicing, which may result in an abnormal transcript and altered protein product. This variant is expected to result in nonsense mediated decay, truncation, or a dysfunctional protein product. This variant is rare in the general population with a frequency below the threshold expected for the associated phenotype(s). This variant has been observed in one or more individuals affected with the associated recessive disease, as either homozygous or compound heterozygous with a second variant (PMID: 21415153). Given the available evidence, this variant is classified as Pathogenic.

European Hospital Georges Pompidou Genetics Department, Assistance Publique - Hôpitaux de Paris AP-HP
Classification: Pathogenic for Familial hypokalemia-hypomagnesemia. Last evaluated: 2022-04-27. Review status: criteria provided, single submitter. Criteria: ACMG Guidelines, 2015. Collection method: clinical testing. Allele origin: germline. Affected: yes.
Comment: ACMG criteria used:PVS1, PS4, PM2, PP3, PP5

Literature cited by the submitters: PubMed 21415153 (cited by Natera, Inc.).

NM_001126108.2(SLC12A3):c.2721-2A>T

Gene: SLC12A3 (solute carrier family 12 member 3; plus strand). Cytogenetic location: 16q13.
Variant type: single nucleotide variant.
Coding change: c.2721-2A>T on transcript NM_001126108.2 (MANE Select); the canonical splice acceptor site of the intron before coding-DNA position 2721, A replaced by T.
Molecular consequence: splice acceptor variant.
Genome position (GRCh38, 1-based): chr16:56,902,371, A>T. VCF-style: chr16-56902371-A-T. GRCh37 (hg19) VCF-style: chr16-56936283-A-T.
Other names: c.2748-2A>T (NM_000339.3); c.2745-2A>T (NM_001126107.2); c.2718-2A>T (NM_001410896.1).
Identifiers: ClinVar variation 1684173 (VCV001684173.2), dbSNP rs2144766556, ClinGen allele CA396000923.